The following is an entry in ClinVar:

NM_022168.4(IFIH1):c.1846A>C (p.Thr616Pro)

Gene: IFIH1 (interferon induced with helicase C domain 1; minus strand). Cytogenetic location: 2q24.2.
Variant type: single nucleotide variant.
Coding change: c.1846A>C on transcript NM_022168.4 (MANE Select); coding-DNA position 1846, A replaced by C.
Protein change: p.Thr616Pro; replaces threonine 616 with proline.
Molecular consequence: missense variant.
Genome position (GRCh38, 1-based): chr2:162,277,613, T>G on the plus strand (A>C on the coding strand, the complement: IFIH1 is on the minus strand). VCF-style: chr2-162277613-T-G. GRCh37 (hg19) VCF-style: chr2-163134123-T-G.
Other names: c.1846A>C (NM_022168.3); short protein forms T616P.
Identifiers: ClinVar variation 2947696 (VCV002947696.4), dbSNP rs2468959465, ClinGen allele CA348999584.

ClinVar aggregate classification (germline): Uncertain significance. Review status: criteria provided, multiple submitters, no conflicts (2 of 4 stars). 2 submissions from 2 submitters: Uncertain significance (2). Last evaluated 2025-03-27.

Conditions:
Aicardi-Goutieres syndrome 7 (AGS7). Identifiers: Orphanet 51, MedGen C3888244, MONDO:0014367, OMIM 615846.
Singleton-Merten syndrome 1 (SGMRT1). Also called: Widened medullary cavities of bone, aortic calcification, abnormal dentition, and muscular weakness; Syndrome of widened medullary cavities of the metacarpals and phalanges, aortic calcification and abnormal dentition. Identifiers: Orphanet 85191, MedGen C4225427, MONDO:0024535, OMIM 182250.

Submissions (2):

Labcorp Genetics (formerly Invitae), Labcorp
Classification: Uncertain significance for Aicardi-Goutieres syndrome 7; Singleton-Merten syndrome 1. Last evaluated: 2025-03-27. Review status: criteria provided, single submitter. Criteria: Invitae Variant Classification Sherloc (09022015). Collection method: clinical testing. Allele origin: germline.
Comment: This sequence change replaces threonine, which is neutral and polar, with proline, which is neutral and non-polar, at codon 616 of the IFIH1 protein (p.Thr616Pro). This variant is not present in population databases (gnomAD no frequency). This variant has not been reported in the literature in individuals affected with IFIH1-related conditions. ClinVar contains an entry for this variant (Variation ID: 2947696). Invitae Evidence Modeling of protein sequence and biophysical properties (such as structural, functional, and spatial information, amino acid conservation, physicochemical variation, residue mobility, and thermodynamic stability) has been performed for this missense variant. However, the output from this modeling did not meet the statistical confidence thresholds required to predict the impact of this variant on IFIH1 protein function. In summary, the available evidence is currently insufficient to determine the role of this variant in disease. Therefore, it has been classified as a Variant of Uncertain Significance.

GeneDx
Classification: Uncertain significance. Last evaluated: 2023-07-20. Review status: criteria provided, single submitter. Criteria: GeneDx Variant Classification Process June 2021. Collection method: clinical testing. Allele origin: germline. Affected: yes.
Comment: Not observed at significant frequency in large population cohorts (gnomAD); In silico analysis supports that this missense variant has a deleterious effect on protein structure/function; Has not been previously published as pathogenic or benign to our knowledge